The following is an entry in ClinVar:

NM_001378328.1(CELSR1):c.7386C>T (p.Asn2462=)

Genes: CELSR1 (cadherin EGF LAG seven-pass G-type receptor 1; minus strand), LOC121627952 (CDK7 strongly-dependent group 2 enhancer GRCh37_chr22:46772879-46774078; plus strand). Cytogenetic location: 22q13.31.
Variant type: single nucleotide variant.
Coding change: c.7386C>T on transcript NM_001378328.1 (MANE Select); coding-DNA position 7386, C replaced by T.
Protein change: p.Asn2462=; no amino-acid change (asparagine 2462 retained).
Molecular consequence: synonymous variant.
Genome position (GRCh38, 1-based): chr22:46,377,259, G>A on the plus strand (C>T on the coding strand, the complement: CELSR1 is on the minus strand). VCF-style: chr22-46377259-G-A. GRCh37 (hg19) VCF-style: chr22-46773156-G-A.
Other names: c.7386C>T, p.Asn2462= (NM_014246.4).
Identifiers: ClinVar variation 2653319 (VCV002653319.24), dbSNP rs201235278, ClinGen allele CA10293375.

ClinVar aggregate classification (germline): Likely benign (1 of 4 stars; one submission).

Allele frequency attached by ClinVar (database versions not stated): gnomAD exomes 0.00003; gnomAD 0.00005; TOPMed 0.00005; ExAC 0.00006; 1000 Genomes Project 0.00040; 1000 Genomes Project 30x 0.00047.
gnomAD v4.1: 56 of 1,613,710 alleles (0.0035%); highest among the groups gnomAD compares: South Asian, 0.024%; no homozygotes.

Submission:

CeGaT Center for Human Genetics Tuebingen
Classification: Likely benign. Last evaluated: 2022-07-01. Review status: criteria provided, single submitter. Criteria: CeGaT Center For Human Genetics Tuebingen Variant Classification Criteria Version 2. Collection method: clinical testing. Allele origin: germline. Affected: yes. Observed: 1 variant allele.
Comment: CELSR1: BP4, BP7